The following is an entry in ClinVar:

NM_000256.3(MYBPC3):c.539G>A (p.Gly180Asp)

Gene: MYBPC3 (myosin binding protein C3; minus strand). Cytogenetic location: 11p11.2.
Variant type: single nucleotide variant.
Coding change: c.539G>A on transcript NM_000256.3 (MANE Select); coding-DNA position 539, G replaced by A.
Protein change: p.Gly180Asp; replaces glycine 180 with aspartic acid.
Molecular consequence: missense variant.
Genome position (GRCh38, 1-based): chr11:47,349,889, C>T on the plus strand (G>A on the coding strand, the complement: MYBPC3 is on the minus strand). VCF-style: chr11-47349889-C-T. GRCh37 (hg19) VCF-style: chr11-47371440-C-T.
Other names: c.539G>A, p.Gly180Asp (LRG_386t1); short protein forms G180D.
Identifiers: ClinVar variation 644392 (VCV000644392.17), dbSNP rs867571018, ClinGen allele CA221706803.
Genomic context (GRCh38, chr11:47,349,889, plus strand): 5'-CTCAGGTCCACCCATTTGCCCTTGAACCACTTGACCACAGGCGGCTTCAGGAGGCTGGCG[C>T]CGGCCACGCGGGCTGAGAAGGTGATGCTGCCACCTGCAAAGGCAGGGGCGACAGGCCCGG-3'
Protein context (NP_000247.2, residues 170-190): GSITFSARVA[Gly180Asp]ASLLKPPVVK

ClinVar aggregate classification (germline): Uncertain significance. Review status: criteria provided, multiple submitters, no conflicts (2 of 4 stars). 4 submissions from 4 submitters: Uncertain significance (4). Last evaluated 2025-11-12.

Conditions:
Cardiovascular phenotype. Identifiers: MedGen CN230736.
Cardiomyopathy (CMYO). Also called: Cardiomyopathies. Identifiers: Orphanet 167848, MedGen C0878544, MONDO:0004994, HP:0001638. Inheritance: Various modes of inheritance.
Hypertrophic cardiomyopathy. Also called: HYPERTROPHIC MYOCARDIOPATHY. Identifiers: Orphanet 217569, MedGen C0007194, MeSH D002312, MONDO:0005045, HP:0001639.

Allele frequency attached by ClinVar (database versions not stated): gnomAD 0.00001; gnomAD exomes 0.00001; TOPMed 0.00001.
gnomAD v4.1: 15 of 1,610,632 alleles (0.00093%); highest among the groups gnomAD compares: Middle Eastern, 0.017%; no homozygotes.

Submissions (4):

Labcorp Genetics (formerly Invitae), Labcorp
Classification: Uncertain significance for Hypertrophic cardiomyopathy. Last evaluated: 2025-11-12. Review status: criteria provided, single submitter. Criteria: Invitae Variant Classification Sherloc (09022015). Collection method: clinical testing. Allele origin: germline.
Comment: This sequence change replaces glycine, which is neutral and non-polar, with aspartic acid, which is acidic and polar, at codon 180 of the MYBPC3 protein (p.Gly180Asp). This variant is not present in population databases (gnomAD no frequency). This variant has not been reported in the literature in individuals affected with MYBPC3-related conditions. ClinVar contains an entry for this variant (Variation ID: 644392). An algorithm developed to predict the effect of missense changes on protein structure and function (PolyPhen-2) suggests that this variant is likely to be disruptive. In summary, the available evidence is currently insufficient to determine the role of this variant in disease. Therefore, it has been classified as a Variant of Uncertain Significance.

Ambry Genetics
Classification: Uncertain significance for Cardiovascular phenotype. Last evaluated: 2025-09-17. Review status: criteria provided, single submitter. Criteria: Ambry Variant Classification Scheme 2023. Collection method: clinical testing. Allele origin: germline.
Comment: The p.G180D variant (also known as c.539G>A), located in coding exon 5 of the MYBPC3 gene, results from a G to A substitution at nucleotide position 539. The glycine at codon 180 is replaced by aspartic acid, an amino acid with similar properties. This amino acid position is well conserved in available vertebrate species. In addition, this alteration is predicted to be tolerated by in silico analysis. Since supporting evidence is limited at this time, the clinical significance of this alteration remains unclear.

All of Us Research Program, National Institutes of Health
Classification: Uncertain significance for Hypertrophic cardiomyopathy. Last evaluated: 2024-08-13. Review status: criteria provided, single submitter. Criteria: ACMG Guidelines, 2015. Collection method: clinical testing. Allele origin: germline. Inheritance: Autosomal dominant inheritance. Observed: 6 variant alleles, 6 heterozygotes.
Comment: This missense variant replaces glycine with aspartic acid at codon 180 of the MYBPC3 protein. Computational prediction is inconclusive regarding the impact of this variant on protein structure and function (internally defined REVEL score threshold 0.5 < inconclusive < 0.7, PMID: 27666373). Splice site prediction tools suggest that this variant may not impact RNA splicing. To our knowledge, functional studies have not been performed for this variant. This variant has not been reported in individuals affected with cardiovascular disorders in the literature. This variant has not been identified in the general population by the Genome Aggregation Database (gnomAD). The available evidence is insufficient to determine the role of this variant in disease conclusively. Therefore, this variant is classified as a Variant of Uncertain Significance.

This study involves interpretation of variants in research participants for the purpose of population health screening. Participant phenotype was not available at the time of variant classification. Additional details can be found in publication PMID: 35346344, PMCID: PMC8962531

Color Diagnostics, LLC DBA Color Health
Classification: Uncertain significance for Cardiomyopathy. Last evaluated: 2023-10-12. Review status: criteria provided, single submitter. Criteria: ACMG Guidelines, 2015. Collection method: clinical testing. Allele origin: germline.
Comment: This missense variant replaces glycine with aspartic acid at codon 180 of the MYBPC3 protein. Computational prediction is inconclusive regarding the impact of this variant on protein structure and function (internally defined REVEL score threshold 0.5 < inconclusive < 0.7, PMID: 27666373). To our knowledge, functional studies have not been reported for this variant. This variant has not been reported in individuals affected with MYBPC3-related disorders in the literature. This variant has not been identified in the general population by the Genome Aggregation Database (gnomAD). The available evidence is insufficient to determine the role of this variant in disease conclusively. Therefore, this variant is classified as a Variant of Uncertain Significance.